The following is an entry in ClinVar:

NM_000038.6(APC):c.7541C>G (p.Thr2514Ser)

Gene: APC (APC regulator of Wnt signaling pathway; plus strand). Cytogenetic location: 5q22.2.
Variant type: single nucleotide variant.
Coding change: c.7541C>G on transcript NM_000038.6 (MANE Select); coding-DNA position 7541, C replaced by G.
Protein change: p.Thr2514Ser; replaces threonine 2514 with serine.
Molecular consequence: missense variant.
Genome position (GRCh38, 1-based): chr5:112,843,135, C>G. VCF-style: chr5-112843135-C-G. GRCh37 (hg19) VCF-style: chr5-112178832-C-G.
Other names: c.7541C>G, p.Thr2514Ser (NM_001127510.3, NM_001354895.2); c.7487C>G, p.Thr2496Ser (NM_001127511.3); c.7595C>G, p.Thr2532Ser (NM_001354896.2); c.7571C>G, p.Thr2524Ser (NM_001354897.2); c.7466C>G, p.Thr2489Ser (NM_001354898.2); c.7457C>G, p.Thr2486Ser (NM_001354899.2); c.7418C>G, p.Thr2473Ser (NM_001354900.2); c.7364C>G, p.Thr2455Ser (NM_001354901.2); and 5 more; short protein forms T2514S, T2496S, T2354S, T2473S, T2413S, T2524S, T2388S, T2423S.
Identifiers: ClinVar variation 482240 (VCV000482240.31), dbSNP rs747833393, ClinGen allele CA048379.

ClinVar aggregate classification (germline): Conflicting classifications of pathogenicity. Review status: criteria provided, conflicting classifications (1 of 4 stars). 9 submissions from 9 submitters: Uncertain significance (8); Likely benign (1). Last evaluated 2025-12-14.

Conditions:
Hereditary cancer-predisposing syndrome. Also called: Tumor predisposition; Hereditary neoplastic syndrome; Hereditary Cancer Syndrome; Neoplastic Syndromes, Hereditary. Identifiers: Orphanet 140162, MedGen C0027672, MeSH D009386, MONDO:0015356.
Familial adenomatous polyposis 1 (FAP1). Also called: FAMILIAL ADENOMATOUS POLYPOSIS 1, ATTENUATED; POLYPOSIS, ADENOMATOUS INTESTINAL. Identifiers: MedGen C2713442, MONDO:0021056, OMIM 175100. Disease mechanism: loss of function.
Hepatocellular carcinoma (HCC). Also called: Primary carcinoma of liver; HEPATOMA; LIVER CELL CARCINOMA. Identifiers: Orphanet 88673, MedGen C2239176, MONDO:0007256, OMIM 114550, HP:0001402.
Desmoid disease, hereditary (DESMD). Also called: FIBROMATOSIS, FAMILIAL INFILTRATIVE. Identifiers: Orphanet 873, MedGen C1851124, OMIM 135290. Disease mechanism: loss of function.
Gastric adenocarcinoma and proximal polyposis of the stomach (GAPPS). Also called: POLYPOSIS, GASTRIC; Gastric Adenocarcinoma and Proximal Polyposis of the Stomach (GAPPS); Polyposis, gastric, Dos Santos and de Magalhaes 1980. Identifiers: Orphanet 314022, MedGen C4749917, MONDO:0017790, OMIM 619182.
Gastric cancer. Also called: Stomach cancer; Malignant tumor of stomach. Identifiers: MedGen C0024623, MeSH D013274, MONDO:0001056, OMIM 613659, HP:0012126.
Colorectal cancer. Also called: Colorectal cancer, somatic; Malignant Colorectal Neoplasm. Identifiers: MedGen C0346629, MONDO:0005575, OMIM 114500.
Classic or attenuated familial adenomatous polyposis. Identifiers: MedGen CN372698, MONDO:0021057.

Allele frequency attached by ClinVar (database versions not stated): gnomAD 0.00001; gnomAD exomes 0.00001; TOPMed below 0.00001; ExAC 0.00001.
gnomAD v4.1: 9 of 1,613,874 alleles (0.00056%); highest among the groups gnomAD compares: Non-Finnish European, 0.00076%; no homozygotes.

Submissions (9):

Labcorp Genetics (formerly Invitae), Labcorp
Classification: Uncertain significance for Familial adenomatous polyposis 1. Last evaluated: 2025-12-14. Review status: criteria provided, single submitter. Criteria: Invitae Variant Classification Sherloc (09022015). Collection method: clinical testing. Allele origin: germline.
Comment: This sequence change replaces threonine, which is neutral and polar, with serine, which is neutral and polar, at codon 2514 of the APC protein (p.Thr2514Ser). This variant is present in population databases (rs747833393, gnomAD 0.002%). This variant has not been reported in the literature in individuals affected with APC-related conditions. ClinVar contains an entry for this variant (Variation ID: 482240). Invitae Evidence Modeling of protein sequence and biophysical properties (such as structural, functional, and spatial information, amino acid conservation, physicochemical variation, residue mobility, and thermodynamic stability) indicates that this missense variant is not expected to disrupt APC protein function with a negative predictive value of 95%. In summary, the available evidence is currently insufficient to determine the role of this variant in disease. Therefore, it has been classified as a Variant of Uncertain Significance.

Color Diagnostics, LLC DBA Color Health
Classification: Uncertain significance for Hereditary cancer-predisposing syndrome. Last evaluated: 2025-11-11. Review status: criteria provided, single submitter. Criteria: ACMG Guidelines, 2015. Collection method: clinical testing. Allele origin: germline.
Comment: This missense variant replaces threonine with serine at codon 2514 of the APC protein. Computational prediction suggests that this variant may not impact protein structure and function. APC is defined as a gene for which primarily truncating variants are known to cause disease (ClinGen HCCP VCEP). To our knowledge, functional studies have not been reported for this variant. This variant has not been reported in individuals affected with APC-related disorders in the literature. This variant has been identified in 9/1613874 chromosomes in the general population by the Genome Aggregation Database (gnomAD). The available evidence is insufficient to determine the role of this variant in disease conclusively. Therefore, this variant is classified as a Variant of Uncertain Significance.

GeneDx
Classification: Uncertain significance. Last evaluated: 2024-12-05. Review status: criteria provided, single submitter. Criteria: GeneDx Variant Classification Process June 2021. Collection method: clinical testing. Allele origin: germline. Affected: yes.
Comment: Not observed at significant frequency in large population cohorts (gnomAD); In silico analysis indicates that this missense variant does not alter protein structure/function; Has not been previously published as pathogenic or benign to our knowledge

Fulgent Genetics
Classification: Uncertain significance for Colorectal cancer; Hepatocellular carcinoma; Desmoid disease, hereditary; Familial adenomatous polyposis 1; Gastric cancer; Gastric adenocarcinoma and proximal polyposis of the stomach. Last evaluated: 2024-03-26. Review status: criteria provided, single submitter. Criteria: ACMG Guidelines, 2015. Collection method: clinical testing. Allele origin: germline.

Baylor Genetics
Classification: Uncertain significance for Familial adenomatous polyposis 1. Last evaluated: 2024-02-29. Review status: criteria provided, single submitter. Criteria: ACMG Guidelines, 2015. Collection method: clinical testing. Allele origin: unknown.

All of Us Research Program, National Institutes of Health
Classification: Uncertain significance for Classic or attenuated familial adenomatous polyposis. Last evaluated: 2023-10-02. Review status: criteria provided, single submitter. Criteria: ACMG Guidelines, 2015. Collection method: clinical testing. Allele origin: germline. Inheritance: Autosomal dominant inheritance. Observed: 1 variant allele, 1 heterozygote.
Comment: This missense variant replaces threonine with serine at codon 2514 of the APC protein. Computational prediction suggests that this variant may not impact protein structure and function (internally defined REVEL score threshold <= 0.5, PMID: 27666373). To our knowledge, functional studies have not been reported for this variant. This variant has not been reported in individuals affected with hereditary cancer in the literature. This variant has been identified in 2/251096 chromosomes in the general population by the Genome Aggregation Database (gnomAD). The available evidence is insufficient to determine the role of this variant in disease conclusively. Therefore, this variant is classified as a Variant of Uncertain Significance.

This study involves interpretation of variants in research participants for the purpose of population health screening. Participant phenotype was not available at the time of variant classification. Additional details can be found in publication PMID: 35346344, PMCID: PMC8962531

KCCC/NGS Laboratory, Kuwait Cancer Control Center
Classification: Uncertain significance for Familial adenomatous polyposis 1. Last evaluated: 2023-07-07. Review status: criteria provided, single submitter. Criteria: ACMG Guidelines, 2015. Collection method: clinical testing. Allele origin: unknown. Affected: yes.
Comment: This sequence change replaces threonine with serine at codon 2514 of the APC protein (p.Thr2514Ser). The threonine residue is moderately conserved and there is a small physicochemical difference between threonine and serine. This variant is present in population databases (rs747833393, ExAC 0.001%). This variant has not been reported in the literature in individuals with APC-related disease. Algorithms developed to predict the effect of missense changes on protein structure and function output the following: SIFT: "Tolerated"; PolyPhen-2: "Benign"; Align-GVGD: "Class C0". The serine amino acid residue is found in multiple mammalian species, suggesting that this missense change does not adversely affect protein function. These predictions have not been confirmed by published functional studies and their clinical significance is uncertain. In summary, the available evidence is currently insufficient to determine the role of this variant in disease. Therefore, it has been classified as a Variant of Uncertain Significance.

Ambry Genetics
Classification: Likely benign for Hereditary cancer-predisposing syndrome. Last evaluated: 2021-12-13. Review status: criteria provided, single submitter. Criteria: Ambry Variant Classification Scheme 2023. Collection method: clinical testing. Allele origin: germline.

Quest Diagnostics Nichols Institute San Juan Capistrano
Classification: Uncertain significance. Last evaluated: 2019-08-27. Review status: criteria provided, single submitter. Criteria: Quest Diagnostics criteria. Collection method: clinical testing. Allele origin: unknown.